The following is an entry in ClinVar:

ClinVar aggregate classification (germline): Uncertain significance (1 of 4 stars; one submission).

Conditions:
Atrioventricular septal defect 4 (AVSD4). Identifiers: MedGen C3280781, MONDO:0013747, OMIM 614430.

Allele frequency attached by ClinVar (database versions not stated): TOPMed below 0.00001; gnomAD 0.00001.
gnomAD v4.1: 3 of 1,534,154 alleles (0.0002%); highest among the groups gnomAD compares: African/African-American, 0.0027%; no homozygotes.

Submission:

Labcorp Genetics (formerly Invitae), Labcorp
Classification: Uncertain significance for Atrioventricular septal defect 4. Last evaluated: 2022-03-08. Review status: criteria provided, single submitter. Criteria: Invitae Variant Classification Sherloc (09022015). Collection method: clinical testing. Allele origin: germline.
Comment: Algorithms developed to predict the effect of missense changes on protein structure and function are either unavailable or do not agree on the potential impact of this missense change (SIFT: "Tolerated"; PolyPhen-2: "Possibly Damaging"; Align-GVGD: "Class C0"). In summary, the available evidence is currently insufficient to determine the role of this variant in disease. Therefore, it has been classified as a Variant of Uncertain Significance. Algorithms developed to predict the effect of sequence changes on RNA splicing suggest that this variant may create or strengthen a splice site. ClinVar contains an entry for this variant (Variation ID: 1023172). This variant has not been reported in the literature in individuals affected with GATA4-related conditions. The frequency data for this variant in the population databases is considered unreliable, as metrics indicate poor data quality at this position in the gnomAD database. This sequence change replaces proline, which is neutral and non-polar, with glutamine, which is neutral and polar, at codon 42 of the GATA4 protein (p.Pro42Gln).

NM_001308093.3(GATA4):c.125C>A (p.Pro42Gln)

Gene: GATA4 (GATA binding protein 4). Cytogenetic location: 8p23.1.
Variant type: single nucleotide variant.
Coding change: c.125C>A on transcript NM_001308093.3 (MANE Select); coding-DNA position 125, C replaced by A.
Protein change: p.Pro42Gln; replaces proline 42 with glutamine.
Molecular consequence: missense variant. On other transcripts: intron variant (3).
Genome position (GRCh38, 1-based): chr8:11,708,437, C>A. VCF-style: chr8-11708437-C-A. GRCh37 (hg19) VCF-style: chr8-11565946-C-A.
Other names: c.125C>A, p.Pro42Gln (NM_002052.5); c.-6+7659C>A (NM_001308094.2); c.-3+423C>A (NM_001374274.1); c.-3+4133C>A (NM_001374273.1); short protein forms P42Q.
Identifiers: ClinVar variation 1023172 (VCV001023172.8), dbSNP rs766590532, ClinGen allele CA172074551.